The following is an entry in ClinVar:

NM_001080449.3(DNA2):c.1777G>T (p.Asp593Tyr)

Gene: DNA2 (DNA replication helicase/nuclease 2; minus strand). Cytogenetic location: 10q21.3.
Variant type: single nucleotide variant.
Coding change: c.1777G>T on transcript NM_001080449.3 (MANE Select); coding-DNA position 1777, G replaced by T.
Protein change: p.Asp593Tyr; replaces aspartic acid 593 with tyrosine.
Molecular consequence: missense variant. On other transcripts: non-coding transcript variant (1).
Genome position (GRCh38, 1-based): chr10:68,432,302, C>A on the plus strand (G>T on the coding strand, the complement: DNA2 is on the minus strand). VCF-style: chr10-68432302-C-A. GRCh37 (hg19) VCF-style: chr10-70192059-C-A.
Other names: short protein forms D593Y.
Identifiers: ClinVar variation 4804824 (VCV004804824.1).

ClinVar aggregate classification (germline): Uncertain significance (1 of 4 stars; one submission).

Submission:

Labcorp Genetics (formerly Invitae), Labcorp
Classification: Uncertain significance. Last evaluated: 2025-06-04. Review status: criteria provided, single submitter. Criteria: Invitae Variant Classification Sherloc (09022015). Collection method: clinical testing. Allele origin: germline.
Comment: This sequence change replaces aspartic acid, which is acidic and polar, with tyrosine, which is neutral and polar, at codon 593 of the DNA2 protein (p.Asp593Tyr). This variant is not present in population databases (gnomAD no frequency). This variant has not been reported in the literature in individuals affected with DNA2-related conditions. Invitae Evidence Modeling of protein sequence and biophysical properties (such as structural, functional, and spatial information, amino acid conservation, physicochemical variation, residue mobility, and thermodynamic stability) indicates that this missense variant is not expected to disrupt DNA2 protein function with a negative predictive value of 80%. Algorithms developed to predict the effect of sequence changes on RNA splicing suggest that this variant may disrupt the consensus splice site. In summary, the available evidence is currently insufficient to determine the role of this variant in disease. Therefore, it has been classified as a Variant of Uncertain Significance.